The following is an entry in ClinVar:

ClinVar aggregate classification (germline): Uncertain significance (1 of 4 stars; one submission).

Allele frequency attached by ClinVar (database versions not stated): ExAC 0.00001; gnomAD exomes 0.00001; gnomAD 0.00003; TOPMed 0.00005; ESP Exome Variant Server 0.00008.
gnomAD v4.1: 28 of 1,613,970 alleles (0.0017%); highest among the groups gnomAD compares: Non-Finnish European, 0.0021%; no homozygotes.

Submission:

Labcorp Genetics (formerly Invitae), Labcorp
Classification: Uncertain significance. Last evaluated: 2023-10-27. Review status: criteria provided, single submitter. Criteria: Invitae Variant Classification Sherloc (09022015). Collection method: clinical testing. Allele origin: germline.
Comment: This sequence change replaces proline, which is neutral and non-polar, with leucine, which is neutral and non-polar, at codon 339 of the ROR2 protein (p.Pro339Leu). This variant is present in population databases (rs370013388, gnomAD 0.005%). This variant has not been reported in the literature in individuals affected with ROR2-related conditions. ClinVar contains an entry for this variant (Variation ID: 1982542). Advanced modeling of protein sequence and biophysical properties (such as structural, functional, and spatial information, amino acid conservation, physicochemical variation, residue mobility, and thermodynamic stability) performed at Invitae indicates that this missense variant is not expected to disrupt ROR2 protein function with a negative predictive value of 80%. In summary, the available evidence is currently insufficient to determine the role of this variant in disease. Therefore, it has been classified as a Variant of Uncertain Significance.

NM_004560.4(ROR2):c.1016C>T (p.Pro339Leu)

Gene: ROR2 (receptor tyrosine kinase like orphan receptor 2; minus strand). Cytogenetic location: 9q22.31.
Variant type: single nucleotide variant.
Coding change: c.1016C>T on transcript NM_004560.4 (MANE Select); coding-DNA position 1016, C replaced by T.
Protein change: p.Pro339Leu; replaces proline 339 with leucine.
Molecular consequence: missense variant.
Genome position (GRCh38, 1-based): chr9:91,731,077, G>A on the plus strand (C>T on the coding strand, the complement: ROR2 is on the minus strand). VCF-style: chr9-91731077-G-A. GRCh37 (hg19) VCF-style: chr9-94493359-G-A.
Other names: c.1016C>T, p.Pro339Leu (NM_001318204.2); short protein forms P339L.
Identifiers: ClinVar variation 1982542 (VCV001982542.4), dbSNP rs370013388, ClinGen allele CA5120817.
Genomic context (GRCh38, chr9:91,731,077, plus strand): 5'-CCAAGCTCAGGGAAGTCTGTGCTGGACAGGTGGTGGCTGTGGGGGTGCTGCAGGGCCCAC[G>A]GCTGGCACTGGTGGCCTGACTTGGTGGTGCTTGCCGTTCCTCTGTAATCCATGCCTGAGC-3'
Protein context (NP_004551.2, residues 329-349): STTKSGHQCQ[Pro339Leu]WALQHPHSHH